The following is an entry in ClinVar:

NM_005138.3(SCO2):c.652dup (p.Gln218fs)

Genes: NCAPH2 (non-SMC condensin II complex subunit H2; plus strand), SCO2 (synthesis of cytochrome C oxidase 2; minus strand). Cytogenetic location: 22q13.33.
Variant type: Duplication.
Coding change: c.652dup on transcript NM_005138.3 (MANE Select); coding-DNA position 652, one base duplicated (C; older notation c.652dupC).
Protein change: p.Gln218fs; shifts the reading frame from glutamine 218.
Molecular consequence: frameshift variant. On other transcripts: 3 prime UTR variant (2).
Genome position (GRCh38, 1-based): chr22:50,523,760, G duplicated on the plus strand (C on the coding strand, the reverse complement: SCO2 is on the minus strand); the first of 2 consecutive G bases (chr22:50,523,760-50,523,761); duplicating either gives the same sequence. VCF-style (leftmost placement, unchanged base first): chr22-50523759-T-TG. GRCh37 (hg19) VCF-style: chr22-50962188-T-TG.
Other names: c.*386dup (NM_001185011.2, NM_152299.4); c.652dup, p.Gln218fs (NM_001169109.2, NM_001169110.1, NM_001169111.2); short protein forms Q218fs.
Identifiers: ClinVar variation 1391854 (VCV001391854.7), dbSNP rs2148670938, ClinGen allele CA2573158277.

ClinVar aggregate classification (germline): Uncertain significance. Review status: criteria provided, multiple submitters, no conflicts (2 of 4 stars). 2 submissions from 2 submitters: Uncertain significance (2). Last evaluated 2021-07-13.

Conditions:
Cardioencephalomyopathy, fatal infantile, due to cytochrome c oxidase deficiency 1 (MC4DN2). Also called: CYTOCHROME c OXIDASE DEFICIENCY, FATAL INFANTILE, WITH CARDIOENCEPHALOMYOPATHY; MITOCHONDRIAL COMPLEX IV DEFICIENCY, NUCLEAR TYPE 2. Identifiers: Orphanet 1561, MedGen C5399977, MONDO:0011451, OMIM 604377.
Myopia 6 (MYP6). Identifiers: MedGen C1837148, MONDO:0012154, OMIM 608908.

Submissions (2):

Fulgent Genetics
Classification: Uncertain significance for Cardioencephalomyopathy, fatal infantile, due to cytochrome c oxidase deficiency 1; Myopia 6. Last evaluated: 2021-07-13. Review status: criteria provided, single submitter. Criteria: ACMG Guidelines, 2015. Collection method: clinical testing. Allele origin: unknown.

Labcorp Genetics (formerly Invitae), Labcorp
Classification: Uncertain significance. Last evaluated: 2021-04-29. Review status: criteria provided, single submitter. Criteria: Invitae Variant Classification Sherloc (09022015). Collection method: clinical testing. Allele origin: germline.
Comment: This sequence change creates a premature translational stop signal (p.Gln218Profs*17) in the SCO2 gene. While this is not anticipated to result in nonsense mediated decay, it is expected to disrupt the last 49 amino acid(s) of the SCO2 protein. In summary, the available evidence is currently insufficient to determine the role of this variant in disease. Therefore, it has been classified as a Variant of Uncertain Significance. Experimental studies and prediction algorithms are not available or were not evaluated, and the functional significance of this variant is currently unknown. This variant has not been reported in the literature in individuals with SCO2-related conditions. This variant is not present in population databases (ExAC no frequency).